The following is an entry in ClinVar:

ClinVar aggregate classification (germline): Likely benign (1 of 4 stars; one submission).

Allele frequency attached by ClinVar (database versions not stated): ESP Exome Variant Server 0.00008; TOPMed 0.00023; gnomAD 0.00024; ExAC 0.00036; gnomAD exomes 0.00040.
gnomAD v4.1: 603 of 1,608,368 alleles (0.037%); highest among the groups gnomAD compares: Non-Finnish European, 0.044%; no homozygotes.

Submission:

CeGaT Center for Human Genetics Tuebingen
Classification: Likely benign. Last evaluated: 2022-12-01. Review status: criteria provided, single submitter. Criteria: CeGaT Center For Human Genetics Tuebingen Variant Classification Criteria Version 2. Collection method: clinical testing. Allele origin: germline. Affected: yes. Observed: 1 variant allele.
Comment: CDHR3: BP4, BP7

NM_152750.5(CDHR3):c.1245C>T (p.Tyr415=)

Gene: CDHR3 (cadherin related family member 3; plus strand). Cytogenetic location: 7q22.3.
Variant type: single nucleotide variant.
Coding change: c.1245C>T on transcript NM_152750.5 (MANE Select); coding-DNA position 1245, C replaced by T.
Protein change: p.Tyr415=; no amino-acid change (tyrosine 415 retained).
Molecular consequence: synonymous variant.
Genome position (GRCh38, 1-based): chr7:106,015,131, C>T. VCF-style: chr7-106015131-C-T. GRCh37 (hg19) VCF-style: chr7-105655577-C-T.
Other names: c.981C>T, p.Tyr327= (NM_001301161.2).
Identifiers: ClinVar variation 2657921 (VCV002657921.24), dbSNP rs368926002, ClinGen allele CA4427788.
Genomic context (GRCh38, chr7:106,015,131, plus strand): 5'-TGTTTAATCTGTATAATCTACTATCTCTGTTTTAATCTAGCTGATTGGTGATCTAGACTA[C>T]GAAAATCCAAGTAACCTAGCAGCCGGCAATAAATATACGGTGATAATCCAGGTGCAGGAT-3'
Protein context (NP_689963.2, residues 405-425): GKIVLIGDLD[Tyr415=]ENPSNLAAGN